The following is an entry in ClinVar:

NM_001378687.1(ATP2C1):c.2375_2378del (p.Phe792fs)

Gene: ATP2C1 (ATPase secretory pathway Ca2+ transporting 1; plus strand). Cytogenetic location: 3q22.1.
Variant type: Microsatellite.
Coding change: c.2375_2378del on transcript NM_001378687.1 (MANE Select); coding-DNA positions 2375 to 2378, 4 bases deleted (TTGT; older notation c.2375_2378delTTGT).
Protein change: p.Phe792fs; shifts the reading frame from phenylalanine 792.
Molecular consequence: frameshift variant.
Genome position (GRCh38, 1-based): chr3:130,997,737-130,997,740, TTGT deleted; deleting any 4 consecutive bases within chr3:130,997,732-130,997,740 gives the same sequence; the c. name uses the placement nearest the transcript's 3' end. VCF-style (leftmost placement, unchanged base first): chr3-130997731-CTTTG-C. GRCh37 (hg19) VCF-style: chr3-130716575-CTTTG-C.
Other names: c.2375_2378del, p.Phe792fs (NM_001001485.3, NM_001001486.2, NM_001001487.2 and 5 more transcripts); c.2477_2480del, p.Phe826fs (NM_001199180.2, NM_001199181.3, NM_001378511.1); c.2360_2363del, p.Phe787fs (NM_001199182.2); c.2327_2330del, p.Phe776fs (NM_001199183.2, NM_001199184.3, NM_001378514.1); c.2375_2378del (NM_014382.4, NM_014382.3); short protein forms F787fs, F776fs, F792fs, F826fs.
Identifiers: ClinVar variation 372308 (VCV000372308.13), dbSNP rs1057517706, ClinGen allele CA16042499.

ClinVar aggregate classification (germline): Pathogenic. Review status: criteria provided, multiple submitters, no conflicts (2 of 4 stars). 4 submissions from 4 submitters: Pathogenic (3). 1 of the submissions does not count toward it. Last evaluated 2026-09-16.

Conditions:
Familial benign pemphigus (HHD). Identifiers: Orphanet 2841, MedGen C0085106, MONDO:0008218, OMIM 169600.

Submissions (4):

GeneDx
Classification: Pathogenic. Last evaluated: 2026-09-16. Review status: criteria provided, single submitter. Criteria: GeneDx Variant Classification Process June 2021. Collection method: clinical testing. Allele origin: germline.
Comment: Frameshift variant predicted to result in protein truncation or nonsense mediated decay in a gene for which loss of function is a known mechanism of disease; Not observed at significant frequency in large population cohorts (gnomAD); This variant is associated with the following publications: (PMID: 11841554, 20226632, 31589614, 28191890, 28035777, 29944739, 10615129, 25837627)

Labcorp Genetics (formerly Invitae), Labcorp
Classification: Pathogenic. Last evaluated: 2023-03-14. Review status: criteria provided, single submitter. Criteria: Invitae Variant Classification Sherloc (09022015). Collection method: clinical testing. Allele origin: germline.
Comment: For these reasons, this variant has been classified as Pathogenic. ClinVar contains an entry for this variant (Variation ID: 372308). This premature translational stop signal has been observed in individual(s) with Hailey-Hailey disease (PMID: 10615129, 25837627, 28035777, 29944739). This variant is not present in population databases (gnomAD no frequency). This sequence change creates a premature translational stop signal (p.Phe792Serfs*10) in the ATP2C1 gene. It is expected to result in an absent or disrupted protein product. Loss-of-function variants in ATP2C1 are known to be pathogenic (PMID: 10615129, 10767338, 11841554).

Revvity Omics, Revvity
Classification: Pathogenic for Familial benign pemphigus. Last evaluated: 2021-12-20. Review status: criteria provided, single submitter. Criteria: ACMG Guidelines, 2015. Collection method: clinical testing. Allele origin: germline.

OMIM
Classification: Pathogenic for HAILEY-HAILEY DISEASE. Last evaluated: 2000-01-01. Review status: no assertion criteria provided. Collection method: literature only. Allele origin: germline. Not counted in ClinVar's aggregate classification.

Literature cited by the submitters: PubMed 10615129 (cited by Labcorp Genetics (formerly Invitae), Labcorp and OMIM); PubMed 25837627 (cited by Labcorp Genetics (formerly Invitae), Labcorp); PubMed 28035777 (cited by Labcorp Genetics (formerly Invitae), Labcorp); PubMed 29944739 (cited by Labcorp Genetics (formerly Invitae), Labcorp); PubMed 10767338 (cited by Labcorp Genetics (formerly Invitae), Labcorp); PubMed 11841554 (cited by Labcorp Genetics (formerly Invitae), Labcorp).